The following is an entry in ClinVar:

ClinVar aggregate classification (germline): Uncertain significance (1 of 4 stars; one submission).

Conditions:
Inborn genetic diseases. Identifiers: MedGen C0950123, MeSH D030342.

Allele frequency attached by ClinVar (database versions not stated): gnomAD exomes 0.00001.
gnomAD v4.1: 10 of 1,612,976 alleles (0.00062%); highest among the groups gnomAD compares: Non-Finnish European, 0.00085%; no homozygotes.

Submission:

Ambry Genetics
Classification: Uncertain significance for Inborn genetic diseases. Last evaluated: 2022-10-04. Review status: criteria provided, single submitter. Criteria: Ambry Variant Classification Scheme 2023. Collection method: clinical testing. Allele origin: germline.
Comment: The p.V173M variant (also known as c.517G>A), located in coding exon 4 of the ATR gene, results from a G to A substitution at nucleotide position 517. The valine at codon 173 is replaced by methionine, an amino acid with highly similar properties. This amino acid position is conserved. In addition, this alteration is predicted to be tolerated by in silico analysis. Since supporting evidence is limited at this time, the clinical significance of this alteration remains unclear.

NM_001184.4(ATR):c.517G>A (p.Val173Met)

Gene: ATR (ATR checkpoint kinase; minus strand). Cytogenetic location: 3q23.
Variant type: single nucleotide variant.
Coding change: c.517G>A on transcript NM_001184.4 (MANE Select); coding-DNA position 517, G replaced by A.
Protein change: p.Val173Met; replaces valine 173 with methionine.
Molecular consequence: missense variant.
Genome position (GRCh38, 1-based): chr3:142,562,885, C>T on the plus strand (G>A on the coding strand, the complement: ATR is on the minus strand). VCF-style: chr3-142562885-C-T. GRCh37 (hg19) VCF-style: chr3-142281727-C-T.
Other names: c.517G>A, p.Val173Met (NM_001354579.2); short protein forms V173M.
Identifiers: ClinVar variation 1745849 (VCV001745849.2), dbSNP rs2034935117, ClinGen allele CA354826644.